The following is an entry in ClinVar:

NM_006662.3(SRCAP):c.9689C>T (p.Thr3230Met)

Gene: SRCAP (Snf2 related CREBBP activator protein; plus strand). Cytogenetic location: 16p11.2.
Variant type: single nucleotide variant.
Coding change: c.9689C>T on transcript NM_006662.3 (MANE Select); coding-DNA position 9689, C replaced by T.
Protein change: p.Thr3230Met; replaces threonine 3230 with methionine.
Molecular consequence: missense variant.
Genome position (GRCh38, 1-based): chr16:30,739,729, C>T. VCF-style: chr16-30739729-C-T. GRCh37 (hg19) VCF-style: chr16-30751050-C-T.
Other names: short protein forms T3230M.
Identifiers: ClinVar variation 4702728 (VCV004702728.2).
Genomic context (GRCh38, chr16:30,739,729, plus strand): 5'-GCAGCGCCCCTCCCTCCCTGGCTGGCCCTGCTGTTAGTCACAGAGGCCGCAAGGCCAAGA[C>T]GTGAGTGGGCTGCCCCTCCACCTAGGCTTTCCACCGTGGCCACTCCCTCCATGACCAGGC-3'
Protein context (NP_006653.2, residues 3220-3230): AVSHRGRKAK[Thr3230Met]

ClinVar aggregate classification (germline): Uncertain significance. Review status: criteria provided, multiple submitters, no conflicts (2 of 4 stars). 2 submissions from 2 submitters: Uncertain significance (2). Last evaluated 2025-11-25.

gnomAD v4.1: 9 of 1,472,134 alleles (0.00061%); highest among the groups gnomAD compares: South Asian, 0.0014%; no homozygotes.

Submissions (2):

Dasa
Classification: Uncertain significance. Last evaluated: 2025-11-25. Review status: criteria provided, single submitter. Criteria: DASA Assertion Criteria. Collection method: clinical testing. Allele origin: germline.
Comment: NM_006662.3(SRCAP):c.9689C>T (p.Thr3230Met) is a missense variant that results in the substitution of threonine with methionine. The variant is present at low frequency in population datasets. Based on the available data, this variant is classified as variant of uncertain significance.

Labcorp Genetics (formerly Invitae), Labcorp
Classification: Uncertain significance. Last evaluated: 2025-07-20. Review status: criteria provided, single submitter. Criteria: Invitae Variant Classification Sherloc (09022015). Collection method: clinical testing. Allele origin: germline.
Comment: This sequence change replaces threonine, which is neutral and polar, with methionine, which is neutral and non-polar, at codon 3230 of the SRCAP protein (p.Thr3230Met). This variant is present in population databases (no rsID available, gnomAD 0.01%). This variant has not been reported in the literature in individuals affected with SRCAP-related conditions. Invitae Evidence Modeling of protein sequence and biophysical properties (such as structural, functional, and spatial information, amino acid conservation, physicochemical variation, residue mobility, and thermodynamic stability) indicates that this missense variant is expected to disrupt SRCAP protein function with a positive predictive value of 80%. In summary, the available evidence is currently insufficient to determine the role of this variant in disease. Therefore, it has been classified as a Variant of Uncertain Significance.